The following is an entry in ClinVar:

NM_001368894.2(PAX6):c.655C>T (p.Gln219Ter)

Gene: PAX6 (paired box 6; minus strand). Cytogenetic location: 11p13.
Variant type: single nucleotide variant.
Coding change: c.655C>T on transcript NM_001368894.2 (MANE Select); coding-DNA position 655, C replaced by T.
Protein change: p.Gln219Ter; replaces glutamine 219 with a stop codon.
Molecular consequence: nonsense. On other transcripts: non-coding transcript variant (2).
Genome position (GRCh38, 1-based): chr11:31,794,699, G>A on the plus strand (C>T on the coding strand, the complement: PAX6 is on the minus strand). VCF-style: chr11-31794699-G-A. GRCh37 (hg19) VCF-style: chr11-31816247-G-A.
Other names: c.613C>T, p.Gln205Ter (NM_000280.6, NM_001127612.3, NM_001258464.2 and 10 more transcripts); c.655C>T, p.Gln219Ter (NM_001258462.3, NM_001258463.2, NM_001310158.2 and 6 more transcripts); c.205C>T, p.Gln69Ter (NM_001310160.2, NM_001310161.3, NM_001368899.2 and 11 more transcripts); c.856C>T, p.Gln286Ter (NM_001368910.2); c.658C>T, p.Gln220Ter (NM_001368911.2); c.730C>T, p.Gln244Ter (NM_001368918.2, NM_001368919.2); c.688C>T, p.Gln230Ter (NM_001368920.2); c.454C>T, p.Gln152Ter (NM_001368921.2, NM_001368922.2, NM_001368923.2 and 4 more transcripts); and 2 more; short protein forms Q205*, Q219*, Q152*, Q286*, Q4*, Q69*, Q244*, Q138*.
Identifiers: ClinVar variation 3476 (VCV000003476.14), dbSNP rs121907924, ClinGen allele CA116237.
Genomic context (GRCh38, chr11:31,794,699, plus strand): 5'-GGGCCTCAATTTGCTCTTGGGTAAAGGATGTTCTATTTCTTTGCAGCTTCCGCTTCAGCT[G>A]AAGTCGCATTTGAGCCTCATCTGAATCTTCTCCGTTGGAACTGATGGAGTTGGTATTCTC-3'

ClinVar aggregate classification (germline): Pathogenic. Review status: criteria provided, multiple submitters, no conflicts (2 of 4 stars). 3 submissions from 3 submitters: Pathogenic (2). 1 of the submissions does not count toward it. Last evaluated 2024-03-12.

Conditions:
Irido-corneo-trabecular dysgenesis (ASGD5). Also called: ANTERIOR SEGMENT DYSGENESIS 5. Identifiers: Orphanet 708, MedGen C0344559, MONDO:0011414, OMIM 604229, HP:0000659.
Aniridia 1 (AN1). Identifiers: Orphanet 250923, MedGen C0344542, MONDO:0024507, OMIM 106210.
Isolated optic nerve hypoplasia. Also called: Bilateral optic nerve hypoplasia. Identifiers: Orphanet 637061, MedGen C1833797, MONDO:0008136, OMIM 165550.

Submissions (3):

Labcorp Genetics (formerly Invitae), Labcorp
Classification: Pathogenic for Aniridia 1; Irido-corneo-trabecular dysgenesis. Last evaluated: 2024-03-12. Review status: criteria provided, single submitter. Criteria: Invitae Variant Classification Sherloc (09022015). Collection method: clinical testing. Allele origin: germline.
Comment: This sequence change creates a premature translational stop signal (p.Gln205*) in the PAX6 gene. It is expected to result in an absent or disrupted protein product. Loss-of-function variants in PAX6 are known to be pathogenic (PMID: 12634864). This variant is not present in population databases (gnomAD no frequency). This premature translational stop signal has been observed in individual(s) with aniridia or optic nerve hypoplasia (PMID: 12721955, 28488383). ClinVar contains an entry for this variant (Variation ID: 3476). For these reasons, this variant has been classified as Pathogenic.

GeneDx
Classification: Pathogenic. Last evaluated: 2023-05-11. Review status: criteria provided, single submitter. Criteria: GeneDx Variant Classification Process June 2021. Collection method: clinical testing. Allele origin: germline. Affected: yes.
Comment: Nonsense variant predicted to result in protein truncation or nonsense mediated decay in a gene for which loss of function is a known mechanism of disease; Not observed at significant frequency in large population cohorts (gnomAD); This variant is associated with the following publications: (PMID: 25525159, 36816037, 28488383, 12721955)

OMIM
Classification: Pathogenic for OPTIC NERVE HYPOPLASIA, BILATERAL. Last evaluated: 2003-06-01. Review status: no assertion criteria provided. Collection method: literature only. Allele origin: germline. Not counted in ClinVar's aggregate classification.

Literature cited by the submitters: PubMed 12634864 (cited by Labcorp Genetics (formerly Invitae), Labcorp); PubMed 12721955 (cited by Labcorp Genetics (formerly Invitae), Labcorp and OMIM); PubMed 28488383 (cited by Labcorp Genetics (formerly Invitae), Labcorp).